The following is an entry in ClinVar:

NM_198252.3(GSN):c.856G>A (p.Gly286Ser)

Gene: GSN (gelsolin; plus strand). Cytogenetic location: 9q33.2.
Variant type: single nucleotide variant.
Coding change: c.856G>A on transcript NM_198252.3 (MANE Select); coding-DNA position 856, G replaced by A.
Protein change: p.Gly286Ser; replaces glycine 286 with serine.
Molecular consequence: missense variant.
Genome position (GRCh38, 1-based): chr9:121,317,188, G>A. VCF-style: chr9-121317188-G-A. GRCh37 (hg19) VCF-style: chr9-124079466-G-A.
Other names: c.889G>A, p.Gly297Ser (NM_001353065.2, NM_001353066.2, NM_001353067.2 and 13 more transcripts); c.1009G>A, p.Gly337Ser (NM_000177.5); c.856G>A, p.Gly286Ser (NM_001127662.2, NM_001127664.2, NM_001127665.2 and 10 more transcripts); c.964G>A, p.Gly322Ser (NM_001127663.2); c.907G>A, p.Gly303Ser (NM_001258029.2); c.880G>A, p.Gly294Ser (NM_001258030.2); c.928G>A, p.Gly310Ser (NM_001353076.2); c.202G>A, p.Gly68Ser (NM_001353078.2); and 1 more; short protein forms G303S, G68S, G286S, G297S, G294S, G310S, G322S, G337S.
Identifiers: ClinVar variation 1502087 (VCV001502087.8), dbSNP rs151155909, ClinGen allele CA5221061.

ClinVar aggregate classification (germline): Conflicting classifications of pathogenicity. Review status: criteria provided, conflicting classifications (1 of 4 stars). 3 submissions from 3 submitters: Uncertain significance (2); Likely benign (1). Last evaluated 2025-07-23.

Conditions:
Inborn genetic diseases. Identifiers: MedGen C0950123, MeSH D030342.
Finnish type amyloidosis. Also called: Lattice corneal dystrophy associated with familial systemic amyloidosis; Meretoja's syndrome; Lattice dystrophy of the cornea with hereditary generalized amyloidosis; Amyloidosis, familial, Finnish type; Meretoja type amyloidosis; Amyloidosis 5. Identifiers: Orphanet 85448, MedGen C1622345, MONDO:0007097, OMIM 105120.

Allele frequency attached by ClinVar (database versions not stated): gnomAD exomes 0.00002 and 0.00004; ExAC 0.00005; TOPMed 0.00006; gnomAD 0.00009; ESP Exome Variant Server 0.00015; 1000 Genomes Project 30x 0.00016; 1000 Genomes Project 0.00020.
gnomAD v4.1: 39 of 1,614,186 alleles (0.0024%); highest among the groups gnomAD compares: African/African-American, 0.024%; no homozygotes.

Submissions (3):

Labcorp Genetics (formerly Invitae), Labcorp
Classification: Uncertain significance. Last evaluated: 2025-07-23. Review status: criteria provided, single submitter. Criteria: Invitae Variant Classification Sherloc (09022015). Collection method: clinical testing. Allele origin: germline.
Comment: This sequence change replaces glycine, which is neutral and non-polar, with serine, which is neutral and polar, at codon 337 of the GSN protein (p.Gly337Ser). This variant is present in population databases (rs151155909, gnomAD 0.03%). This variant has not been reported in the literature in individuals affected with GSN-related conditions. ClinVar contains an entry for this variant (Variation ID: 1502087). An algorithm developed to predict the effect of missense changes on protein structure and function (PolyPhen-2) suggests that this variant is likely to be disruptive. In summary, the available evidence is currently insufficient to determine the role of this variant in disease. Therefore, it has been classified as a Variant of Uncertain Significance.

Fulgent Genetics
Classification: Uncertain significance for Finnish type amyloidosis. Last evaluated: 2022-04-20. Review status: criteria provided, single submitter. Criteria: ACMG Guidelines, 2015. Collection method: clinical testing. Allele origin: unknown.

Ambry Genetics
Classification: Likely benign for Inborn genetic diseases. Last evaluated: 2021-07-09. Review status: criteria provided, single submitter. Criteria: Ambry Variant Classification Scheme 2023. Collection method: clinical testing. Allele origin: germline.